The following is an entry in ClinVar:

ClinVar aggregate classification (germline): Uncertain significance (1 of 4 stars; one submission).

Conditions:
Ullrich congenital muscular dystrophy 1A. Also called: Intermediate COL6-RD; Ullrich congenital muscular dystrophy 1. Identifiers: Orphanet 75840, MedGen C0410179, MONDO:0009681, OMIM 254090.

gnomAD v4.1: 1 of 1,614,130 alleles (0.000062%); highest among the groups gnomAD compares: South Asian, 0.0011%; no homozygotes.

Submission:

Neuberg Centre For Genomic Medicine, NCGM
Classification: Uncertain significance for Ullrich congenital muscular dystrophy 1A. Last evaluated: 2023-05-20. Review status: criteria provided, single submitter. Criteria: ACMG Guidelines, 2015. Collection method: clinical testing. Allele origin: germline. Inheritance: Autosomal dominant inheritance. Affected: yes.
Comment: The observed missense c.1012G>A(p.Gly338Arg) variant in COL6A3 gene has not been reported previously as a pathogenic variant nor as a benign variant, to our knowledge. The p.Gly338Arg variant is absent in gnomAD Exomes. This variant has not been submitted to the ClinVar database. Multiple lines of computational evidence (Polyphen - probably damaging, SIFT - damaging and MutationTaster - disease causing) predict a damaging effect on protein structure and function for this variant. The amino acid change p.Gly338Arg in COL6A3 is predicted as conserved by GERP++ and PhyloP across 100 vertebrates. The amino acid Gly at position 338 is changed to a Arg changing protein sequence and it might alter its composition and physico-chemical properties. For these reasons, this variant has been classified as Variant of Uncertain Significance (VUS).

NM_004369.4(COL6A3):c.1012G>A (p.Gly338Arg)

Gene: COL6A3 (collagen type VI alpha 3 chain; minus strand). Cytogenetic location: 2q37.3.
Variant type: single nucleotide variant.
Coding change: c.1012G>A on transcript NM_004369.4 (MANE Select); coding-DNA position 1012, G replaced by A.
Protein change: p.Gly338Arg; replaces glycine 338 with arginine.
Molecular consequence: missense variant. On other transcripts: intron variant (2).
Genome position (GRCh38, 1-based): chr2:237,387,882, C>T on the plus strand (G>A on the coding strand, the complement: COL6A3 is on the minus strand). VCF-style: chr2-237387882-C-T. GRCh37 (hg19) VCF-style: chr2-238296525-C-T.
Other names: c.394G>A, p.Gly132Arg (NM_057165.5, NM_057167.4); c.92-6383G>A (NM_057166.5, NM_057164.5); short protein forms G132R, G338R.
Identifiers: ClinVar variation 3341400 (VCV003341400.1).